The following is an entry in ClinVar:

NM_015937.6(PIGT):c.1304C>T (p.Pro435Leu)

Gene: PIGT (phosphatidylinositol glycan anchor biosynthesis class T; plus strand). Cytogenetic location: 20q13.12.
Variant type: single nucleotide variant.
Coding change: c.1304C>T on transcript NM_015937.6 (MANE Select); coding-DNA position 1304, C replaced by T.
Protein change: p.Pro435Leu; replaces proline 435 with leucine.
Molecular consequence: missense variant. On other transcripts: non-coding transcript variant (5).
Genome position (GRCh38, 1-based): chr20:45,424,285, C>T. VCF-style: chr20-45424285-C-T. GRCh37 (hg19) VCF-style: chr20-44052925-C-T.
Other names: c.1136C>T, p.Pro379Leu (NM_001184728.3); c.1103C>T, p.Pro368Leu (NM_001184729.3); c.998C>T, p.Pro333Leu (NM_001184730.3); c.1304C>T (NM_015937.5); short protein forms P379L, P368L, P333L, P435L.
Identifiers: ClinVar variation 1942550 (VCV001942550.3), dbSNP rs149586623, ClinGen allele CA315578494.
Genomic context (GRCh38, chr20:45,424,285, plus strand): 5'-ACTACCAGCCTGCCCAGGACCGGCTGCAACCCCACCTCCTGGAGATGCTGATTCAGCTGC[C>T]GGCCAACTCAGTCACCAAGGTTTCCATCCAGTTTGAGCGGGCGCTGCTGAAGTGGACCGA-3'
Protein context (NP_057021.2, residues 425-445): PHLLEMLIQL[Pro435Leu]ANSVTKVSIQ

ClinVar aggregate classification (germline): Uncertain significance. Review status: criteria provided, multiple submitters, no conflicts (2 of 4 stars). 2 submissions from 2 submitters: Uncertain significance (2). Last evaluated 2023-04-18.

Conditions:
Multiple congenital anomalies-hypotonia-seizures syndrome 3 (MCAHS3). Also called: GLYCOSYLPHOSPHATIDYLINOSITOL BIOSYNTHESIS DEFECT 7. Identifiers: Orphanet 369837, MedGen C3809356, MONDO:0014165, OMIM 615398.

Allele frequency attached by ClinVar (database versions not stated): gnomAD exomes below 0.00001; TOPMed below 0.00001; gnomAD 0.00001; ESP Exome Variant Server 0.00008.
gnomAD v4.1: 5 of 1,614,040 alleles (0.00031%); highest among the groups gnomAD compares: Admixed American, 0.0017%; no homozygotes.

Submissions (2):

GeneDx
Classification: Uncertain significance. Last evaluated: 2023-04-18. Review status: criteria provided, single submitter. Criteria: GeneDx Variant Classification Process June 2021. Collection method: clinical testing. Allele origin: germline. Affected: yes.
Comment: In silico analysis supports that this missense variant has a deleterious effect on protein structure/function; Has not been previously published as pathogenic or benign to our knowledge

Labcorp Genetics (formerly Invitae), Labcorp
Classification: Uncertain significance for Multiple congenital anomalies-hypotonia-seizures syndrome 3. Last evaluated: 2022-09-08. Review status: criteria provided, single submitter. Criteria: Invitae Variant Classification Sherloc (09022015). Collection method: clinical testing. Allele origin: germline.
Comment: This sequence change replaces proline, which is neutral and non-polar, with leucine, which is neutral and non-polar, at codon 435 of the PIGT protein (p.Pro435Leu). This variant is present in population databases (rs149586623, gnomAD 0.004%). This variant has not been reported in the literature in individuals affected with PIGT-related conditions. Advanced modeling of protein sequence and biophysical properties (such as structural, functional, and spatial information, amino acid conservation, physicochemical variation, residue mobility, and thermodynamic stability) performed at Invitae indicates that this missense variant is expected to disrupt PIGT protein function. In summary, the available evidence is currently insufficient to determine the role of this variant in disease. Therefore, it has been classified as a Variant of Uncertain Significance.